The following is an entry in ClinVar:

ClinVar aggregate classification (germline): Pathogenic/Likely pathogenic. Review status: criteria provided, multiple submitters, no conflicts (2 of 4 stars). 3 submissions from 3 submitters: Pathogenic (1); Likely pathogenic (2). Last evaluated 2024-03-29.

Conditions:
Mitochondrial complex I deficiency, nuclear type 9. Also called: Mitochondrial complex 1 deficiency, nuclear type 9. Identifiers: MedGen C4748767, MONDO:0032615, OMIM 618232.

Allele frequency attached by ClinVar (database versions not stated): gnomAD exomes below 0.00001 and 0.00001; ExAC 0.00001.

Submissions (3):

Fulgent Genetics
Classification: Likely pathogenic for Mitochondrial complex I deficiency, nuclear type 9. Last evaluated: 2024-03-29. Review status: criteria provided, single submitter. Criteria: ACMG Guidelines, 2015. Collection method: clinical testing. Allele origin: germline.

GeneDx
Classification: Likely pathogenic. Last evaluated: 2023-09-21. Review status: criteria provided, single submitter. Criteria: GeneDx Variant Classification Process June 2021. Collection method: clinical testing. Allele origin: germline. Affected: yes.
Comment: Nonsense variant predicted to result in protein truncation or nonsense mediated decay in a gene for which loss of function is a known mechanism of disease; Not observed at significant frequency in large population cohorts (gnomAD); Has not been previously published as pathogenic or benign to our knowledge

Labcorp Genetics (formerly Invitae), Labcorp
Classification: Pathogenic. Last evaluated: 2023-06-14. Review status: criteria provided, single submitter. Criteria: Invitae Variant Classification Sherloc (09022015). Collection method: clinical testing. Allele origin: germline.
Comment: ClinVar contains an entry for this variant (Variation ID: 1676852). For these reasons, this variant has been classified as Pathogenic. This variant has not been reported in the literature in individuals affected with NDUFS6-related conditions. This variant is present in population databases (rs769666581, gnomAD 0.009%). This sequence change creates a premature translational stop signal (p.Asn12*) in the NDUFS6 gene. It is expected to result in an absent or disrupted protein product. Loss-of-function variants in NDUFS6 are known to be pathogenic (PMID: 15372108).

Literature cited by the submitters: PubMed 15372108 (cited by Labcorp Genetics (formerly Invitae), Labcorp).

NM_004553.6(NDUFS6):c.32_33dup (p.Asn12Ter)

Gene: NDUFS6 (NADH:ubiquinone oxidoreductase subunit S6; plus strand). Cytogenetic location: 5p15.33.
Variant type: Duplication.
Coding change: c.32_33dup on transcript NM_004553.6 (MANE Select); coding-DNA positions 32 to 33, 2 bases duplicated (TG; older notation c.32_33dupTG).
Protein change: p.Asn12Ter; replaces asparagine 12 with a stop codon.
Molecular consequence: nonsense.
Genome position (GRCh38, 1-based): chr5:1,801,449-1,801,450, TG duplicated. VCF-style (leftmost placement, unchanged base first): chr5-1801448-C-CTG. GRCh37 (hg19) VCF-style: chr5-1801562-C-CTG.
Other names: short protein forms N12*.
Identifiers: ClinVar variation 1676852 (VCV001676852.13), dbSNP rs769666581, ClinGen allele CA3187519.
Genomic context (GRCh38, chr5:1,801,448, plus strand): 5'-TTGCGCCGGGTCAAAGGCCAGCGGCGCAAAATGGCGGCGGCGATGACCTTCTGCCGGCTG[C>CTG]TGAACCGGTGTGGCGAGGCGGCGCGGAGCCTGCCCCTGGGCGCCAGGTGTTTCGGGGTGC-3'